The following is an entry in ClinVar:

NM_000494.4(COL17A1):c.1697G>A (p.Arg566Gln)

Gene: COL17A1 (collagen type XVII alpha 1 chain; minus strand). Cytogenetic location: 10q25.1.
Variant type: single nucleotide variant.
Coding change: c.1697G>A on transcript NM_000494.4 (MANE Select); coding-DNA position 1697, G replaced by A.
Protein change: p.Arg566Gln; replaces arginine 566 with glutamine.
Molecular consequence: missense variant.
Genome position (GRCh38, 1-based): chr10:104,055,392, C>T on the plus strand (G>A on the coding strand, the complement: COL17A1 is on the minus strand). VCF-style: chr10-104055392-C-T. GRCh37 (hg19) VCF-style: chr10-105815150-C-T.
Other names: short protein forms R566Q.
Identifiers: ClinVar variation 4005031 (VCV004005031.3).

ClinVar aggregate classification (germline): Uncertain significance. Review status: criteria provided, multiple submitters, no conflicts (2 of 4 stars). 3 submissions from 3 submitters: Uncertain significance (3). Last evaluated 2026-01-26.

Conditions:
Inborn genetic diseases. Identifiers: MedGen C0950123, MeSH D030342.
COL17A1-related disorder. Also called: COL17A1-related condition.

Submissions (3):

PreventionGenetics, part of Exact Sciences
Classification: Uncertain significance for COL17A1-related condition. Last evaluated: 2026-01-26. Review status: criteria provided, single submitter. Criteria: ACMG Guidelines, 2015. Collection method: clinical testing. Allele origin: germline.
Comment: The COL17A1 c.1697G>A variant is predicted to result in the amino acid substitution p.Arg566Gln. To our knowledge, this variant has not been reported in the literature. This variant is reported in 0.035% of alleles in individuals of Latino descent in gnomAD. At this time, the clinical significance of this variant is uncertain due to the absence of conclusive functional and genetic evidence.

Ambry Genetics
Classification: Uncertain significance for Inborn genetic diseases. Last evaluated: 2025-05-13. Review status: criteria provided, single submitter. Criteria: Ambry Variant Classification Scheme 2023. Collection method: clinical testing. Allele origin: germline.

Labcorp Genetics (formerly Invitae), Labcorp
Classification: Uncertain significance. Last evaluated: 2025-04-03. Review status: criteria provided, single submitter. Criteria: Invitae Variant Classification Sherloc (09022015). Collection method: clinical testing. Allele origin: germline.
Comment: This sequence change replaces arginine, which is basic and polar, with glutamine, which is neutral and polar, at codon 566 of the COL17A1 protein (p.Arg566Gln). This variant is present in population databases (rs201010708, gnomAD 0.03%). This variant has not been reported in the literature in individuals affected with COL17A1-related conditions. Invitae Evidence Modeling of protein sequence and biophysical properties (such as structural, functional, and spatial information, amino acid conservation, physicochemical variation, residue mobility, and thermodynamic stability) indicates that this missense variant is not expected to disrupt COL17A1 protein function with a negative predictive value of 80%. In summary, the available evidence is currently insufficient to determine the role of this variant in disease. Therefore, it has been classified as a Variant of Uncertain Significance.